The following is an entry in ClinVar:

NM_003640.5(ELP1):c.2088del (p.Ile697fs)

Gene: ELP1 (elongator acetyltransferase complex subunit 1; minus strand). Cytogenetic location: 9q31.3.
Variant type: Deletion.
Coding change: c.2088del on transcript NM_003640.5 (MANE Select); coding-DNA position 2088, one base deleted (G; older notation c.2088delG).
Protein change: p.Ile697fs; shifts the reading frame from isoleucine 697.
Molecular consequence: frameshift variant.
Genome position (GRCh38, 1-based): chr9:108,900,302, C deleted on the plus strand (G on the coding strand, the reverse complement: ELP1 is on the minus strand); the first of 2 consecutive C bases (chr9:108,900,302-108,900,303); deleting either gives the same sequence. VCF-style (leftmost placement, unchanged base first): chr9-108900301-TC-T. GRCh37 (hg19) VCF-style: chr9-111662581-TC-T.
Other names: c.1746del, p.Ile583fs (NM_001318360.2); c.1041del, p.Ile348fs (NM_001330749.2); short protein forms I348fs, I583fs, I697fs.
Identifiers: ClinVar variation 1373264 (VCV001373264.6), dbSNP rs2131988498, ClinGen allele CA2573143764.

ClinVar aggregate classification (germline): Pathogenic (1 of 4 stars; one submission).

Submission:

Labcorp Genetics (formerly Invitae), Labcorp
Classification: Pathogenic. Last evaluated: 2021-08-28. Review status: criteria provided, single submitter. Criteria: Invitae Variant Classification Sherloc (09022015). Collection method: clinical testing. Allele origin: germline.
Comment: For these reasons, this variant has been classified as Pathogenic. This variant has not been reported in the literature in individuals affected with ELP1-related conditions. This variant is not present in population databases (ExAC no frequency). This sequence change creates a premature translational stop signal (p.Ile697Leufs*20) in the ELP1 gene. It is expected to result in an absent or disrupted protein product. Loss-of-function variants in ELP1 are known to be pathogenic (PMID: 18303054, 24173031).

Literature cited by the submitters: PubMed 18303054; PubMed 24173031.